The following is an entry in ClinVar:

ClinVar aggregate classification (germline): Conflicting classifications of pathogenicity. Review status: criteria provided, conflicting classifications (1 of 4 stars). 8 submissions from 7 submitters: Uncertain significance (3); Benign (1); Likely benign (2). 2 of the submissions do not count toward it. Last evaluated 2026-02-01.

Conditions:
Achromatopsia. Also called: Rod monochromatism. Identifiers: Orphanet 49382, MedGen C0152200, MONDO:0018852, HP:0011516.
Cone dystrophy 4 (COD4). Identifiers: Orphanet 49382, MedGen C2751308, MONDO:0013129, OMIM 613093.

Allele frequency attached by ClinVar (database versions not stated): ESP Exome Variant Server 0.00308; gnomAD exomes 0.00316 and 0.00235; 1000 Genomes Project 30x 0.00062; 1000 Genomes Project 0.00080; TOPMed 0.00213; gnomAD 0.00229 and 0.00234; ExAC 0.00279.

Submissions (8):

Labcorp Genetics (formerly Invitae), Labcorp
Classification: Benign. Last evaluated: 2026-02-01. Review status: criteria provided, single submitter. Criteria: Invitae Variant Classification Sherloc (09022015). Collection method: clinical testing. Allele origin: germline.

CeGaT Center for Human Genetics Tuebingen
Classification: Likely benign. Last evaluated: 2025-03-01. Review status: criteria provided, single submitter. Criteria: CeGaT Center For Human Genetics Tuebingen Variant Classification Criteria Version 2. Collection method: clinical testing. Allele origin: germline. Affected: yes. Observed: 3 variant alleles.
Comment: PDE6C: BP4, BS2

Blueprint Genetics
Classification: Likely benign. Last evaluated: 2024-11-22. Review status: criteria provided, single submitter. Criteria: ACMG Guidelines, 2015. Collection method: clinical testing. Allele origin: germline.

Illumina Laboratory Services, Illumina
Classification: Uncertain significance for Cone dystrophy 4. Last evaluated: 2018-01-12. Review status: criteria provided, single submitter. Criteria: ICSL Variant Classification Criteria 13 December 2019. Collection method: clinical testing. Allele origin: germline.

Illumina Laboratory Services, Illumina
Classification: Uncertain significance for Achromatopsia. Last evaluated: 2018-01-12. Review status: criteria provided, single submitter. Criteria: ICSL Variant Classification Criteria 13 December 2019. Collection method: clinical testing. Allele origin: germline.

Eurofins Ntd Llc (ga)
Classification: Uncertain significance. Last evaluated: 2015-01-05. Review status: criteria provided, single submitter. Criteria: EGL Classification Definitions 2015. Collection method: clinical testing. Allele origin: germline. Observed: 2 variant alleles, 2 heterozygotes.

Clinical Genetics DNA and cytogenetics Diagnostics Lab, Erasmus MC, Erasmus Medical Center
Classification: Likely benign. Review status: no assertion criteria provided. Collection method: clinical testing. Allele origin: germline. Affected: yes. Study: VKGL Data-share Consensus. Not counted in ClinVar's aggregate classification.

Clinical Genetics, Academic Medical Center
Classification: Likely benign. Review status: no assertion criteria provided. Collection method: clinical testing. Allele origin: germline. Affected: yes. Study: VKGL Data-share Consensus. Not counted in ClinVar's aggregate classification.

NM_006204.4(PDE6C):c.2037-7T>C

Gene: PDE6C (phosphodiesterase 6C; plus strand). Cytogenetic location: 10q23.33.
Variant type: single nucleotide variant.
Coding change: c.2037-7T>C on transcript NM_006204.4 (MANE Select); 7 bases into the intron before coding-DNA position 2037, T replaced by C.
Molecular consequence: intron variant.
Genome position (GRCh38, 1-based): chr10:93,658,894, T>C. VCF-style: chr10-93658894-T-C. GRCh37 (hg19) VCF-style: chr10-95418651-T-C.
Identifiers: ClinVar variation 194755 (VCV000194755.56), dbSNP rs181296577, ClinGen allele CA240899.